The following is an entry in ClinVar:

NM_024675.4(PALB2):c.1702C>G (p.Gln568Glu)

Gene: PALB2 (partner and localizer of BRCA2; minus strand). Cytogenetic location: 16p12.2.
Variant type: single nucleotide variant.
Coding change: c.1702C>G on transcript NM_024675.4 (MANE Select); coding-DNA position 1702, C replaced by G.
Protein change: p.Gln568Glu; replaces glutamine 568 with glutamic acid.
Molecular consequence: missense variant. On other transcripts: 5 prime UTR variant (2), intron variant (1).
Genome position (GRCh38, 1-based): chr16:23,630,452, G>C on the plus strand (C>G on the coding strand, the complement: PALB2 is on the minus strand). VCF-style: chr16-23630452-G-C. GRCh37 (hg19) VCF-style: chr16-23641773-G-C.
Other names: c.1642C>G, p.Gln548Glu (NM_001407296.1); c.1702C>G, p.Gln568Glu (NM_001407297.1, NM_001407298.1, NM_001407299.1 and 3 more transcripts); c.817C>G, p.Gln273Glu (NM_001407304.1, NM_001407305.1, NM_001407306.1 and 5 more transcripts); c.-87C>G (NM_001407312.1, NM_001407313.1); c.49-1177C>G (NM_001407314.1); short protein forms Q273E, Q548E, Q568E.
Identifiers: ClinVar variation 3672316 (VCV003672316.2).

ClinVar aggregate classification (germline): Uncertain significance (1 of 4 stars; one submission).

Conditions:
Familial cancer of breast. Also called: Hereditary breast cancer; hereditary breast carcinoma; BREAST CANCER, FAMILIAL. Identifiers: Orphanet 227535, MedGen C0346153, MONDO:0016419, OMIM 114480. Disease mechanism: loss of function.

Submission:

Labcorp Genetics (formerly Invitae), Labcorp
Classification: Uncertain significance for Familial cancer of breast. Last evaluated: 2024-12-11. Review status: criteria provided, single submitter. Criteria: Invitae Variant Classification Sherloc (09022015). Collection method: clinical testing. Allele origin: germline.
Comment: This sequence change replaces glutamine, which is neutral and polar, with glutamic acid, which is acidic and polar, at codon 568 of the PALB2 protein (p.Gln568Glu). This variant is not present in population databases (gnomAD no frequency). This variant has not been reported in the literature in individuals affected with PALB2-related conditions. Invitae Evidence Modeling of protein sequence and biophysical properties (such as structural, functional, and spatial information, amino acid conservation, physicochemical variation, residue mobility, and thermodynamic stability) has been performed for this missense variant. However, the output from this modeling did not meet the statistical confidence thresholds required to predict the impact of this variant on PALB2 protein function. In summary, the available evidence is currently insufficient to determine the role of this variant in disease. Therefore, it has been classified as a Variant of Uncertain Significance.